The following is an entry in ClinVar:

ClinVar aggregate classification (germline): Likely pathogenic (1 of 4 stars; one submission).

Submission:

Mayo Clinic Laboratories, Mayo Clinic
Classification: Likely pathogenic. Last evaluated: 2024-03-26. Review status: criteria provided, single submitter. Criteria: ACMG Guidelines, 2015. Collection method: clinical testing. Allele origin: germline. Observed: 1 variant allele.
Comment: PM2_moderate, PVS1

NM_001008216.2(GALE):c.709+1G>A

Gene: GALE (UDP-galactose-4-epimerase; minus strand). Cytogenetic location: 1p36.11.
Variant type: single nucleotide variant.
Coding change: c.709+1G>A on transcript NM_001008216.2 (MANE Select); the canonical splice donor site of the intron after coding-DNA position 709, G replaced by A.
Molecular consequence: splice donor variant.
Genome position (GRCh38, 1-based): chr1:23,796,875, C>T on the plus strand (G>A on the coding strand, the complement: GALE is on the minus strand). VCF-style: chr1-23796875-C-T. GRCh37 (hg19) VCF-style: chr1-24123365-C-T.
Other names: c.709+1G>A (NM_000403.4, NM_001127621.2).
Identifiers: ClinVar variation 3380907 (VCV003380907.1).